The following is an entry in ClinVar:

ClinVar aggregate classification (germline): Uncertain significance (1 of 4 stars; one submission).

Conditions:
Idiopathic generalized epilepsy. Also called: EIG; Generalised epilepsy. Identifiers: MedGen C0270850, MONDO:0005579, OMIM 600669.
Hyperaldosteronism, familial, type IV (HALD4). Also called: FH IV; ALDOSTERONISM, PRIMARY, AND HYPERTENSION. Identifiers: Orphanet 642671, MedGen C4310756, MONDO:0014875, OMIM 617027.

Submission:

Labcorp Genetics (formerly Invitae), Labcorp
Classification: Uncertain significance for Idiopathic generalized epilepsy; Hyperaldosteronism, familial, type IV. Last evaluated: 2025-12-22. Review status: criteria provided, single submitter. Criteria: Invitae Variant Classification Sherloc (09022015). Collection method: clinical testing. Allele origin: germline.
Comment: This variant, c.856_858del, results in the deletion of 1 amino acid(s) of the CACNA1H protein (p.Glu286del), but otherwise preserves the integrity of the reading frame. This variant is present in population databases (no rsID available, gnomAD 0.006%). This variant has not been reported in the literature in individuals affected with CACNA1H-related conditions. Experimental studies and prediction algorithms are not available or were not evaluated, and the functional significance of this variant is currently unknown. In summary, the available evidence is currently insufficient to determine the role of this variant in disease. Therefore, it has been classified as a Variant of Uncertain Significance.

NM_021098.3(CACNA1H):c.853GAG[1] (p.Glu286del)

Gene: CACNA1H (calcium voltage-gated channel subunit alpha1 H; plus strand). Cytogenetic location: 16p13.3.
Variant type: Microsatellite.
Coding change: c.853GAG[1] on transcript NM_021098.3 (MANE Select); one copy of the 3-base unit GAG starting at c.853; the reference has two copies in a row; one copy, 3 bases deleted.
Protein change: p.Glu286del; deletes glutamic acid 286.
Genome position (GRCh38, 1-based): chr16:1,200,308-1,200,310, GAG deleted; deleting any 3 consecutive bases within chr16:1,200,305-1,200,310 gives the same sequence; the position shown is the placement nearest the transcript's 3' end. VCF-style (leftmost placement, unchanged base first): chr16-1200304-CGAG-C. GRCh37 (hg19) VCF-style: chr16-1250304-CGAG-C.
Other names: c.853GAG[1], p.Glu286del (NM_001005407.2); short protein forms E286del.
Identifiers: ClinVar variation 4783466 (VCV004783466.1).